The following is an entry in ClinVar:

ClinVar aggregate classification (germline): Uncertain significance (1 of 4 stars; one submission).

Submission:

Labcorp Genetics (formerly Invitae), Labcorp
Classification: Uncertain significance. Last evaluated: 2022-08-09. Review status: criteria provided, single submitter. Criteria: Invitae Variant Classification Sherloc (09022015). Collection method: clinical testing. Allele origin: germline.
Comment: In summary, the available evidence is currently insufficient to determine the role of this variant in disease. Therefore, it has been classified as a Variant of Uncertain Significance. Algorithms developed to predict the effect of missense changes on protein structure and function (SIFT, PolyPhen-2, Align-GVGD) all suggest that this variant is likely to be tolerated. ClinVar contains an entry for this variant (Variation ID: 1500316). This variant has not been reported in the literature in individuals affected with CARMIL2-related conditions. This variant is not present in population databases (gnomAD no frequency). This sequence change replaces alanine, which is neutral and non-polar, with threonine, which is neutral and polar, at codon 590 of the CARMIL2 protein (p.Ala590Thr).

NM_001013838.3(CARMIL2):c.1768G>A (p.Ala590Thr)

Gene: CARMIL2 (capping protein regulator and myosin 1 linker 2; plus strand). Cytogenetic location: 16q22.1.
Variant type: single nucleotide variant.
Coding change: c.1768G>A on transcript NM_001013838.3 (MANE Select); coding-DNA position 1768, G replaced by A.
Protein change: p.Ala590Thr; replaces alanine 590 with threonine.
Molecular consequence: missense variant.
Genome position (GRCh38, 1-based): chr16:67,649,468, G>A. VCF-style: chr16-67649468-G-A. GRCh37 (hg19) VCF-style: chr16-67683371-G-A.
Other names: c.1660G>A, p.Ala554Thr (NM_001317026.3); short protein forms A590T, A554T.
Identifiers: ClinVar variation 1500316 (VCV001500316.6), dbSNP rs2142924935, ClinGen allele CA396337594.
Genomic context (GRCh38, chr16:67,649,468, plus strand): 5'-CCCTGACTCCAGCCATCAATGGCTTTCTCTTAACCCCAGCCTCTTCAGTCTCTGTCGGTG[G>A]CTGAGTCTCGGCTGAAGCTGGGTGCCAGCGTCCTACTCCGGGCCCTAGCCACCAATCCTA-3'
Protein context (NP_001013860.1, residues 580-600): DDCPLQSLSV[Ala590Thr]ESRLKLGASV